The following is an entry in ClinVar:

ClinVar aggregate classification (germline): Uncertain significance (1 of 4 stars; one submission).

Submission:

Labcorp Genetics (formerly Invitae), Labcorp
Classification: Uncertain significance. Last evaluated: 2024-09-18. Review status: criteria provided, single submitter. Criteria: Invitae Variant Classification Sherloc (09022015). Collection method: clinical testing. Allele origin: germline.
Comment: This sequence change replaces alanine, which is neutral and non-polar, with threonine, which is neutral and polar, at codon 828 of the CTNNA1 protein (p.Ala828Thr). This variant is not present in population databases (gnomAD no frequency). This variant has not been reported in the literature in individuals affected with CTNNA1-related conditions. Invitae Evidence Modeling of protein sequence and biophysical properties (such as structural, functional, and spatial information, amino acid conservation, physicochemical variation, residue mobility, and thermodynamic stability) indicates that this missense variant is not expected to disrupt CTNNA1 protein function with a negative predictive value of 80%. In summary, the available evidence is currently insufficient to determine the role of this variant in disease. Therefore, it has been classified as a Variant of Uncertain Significance.

NM_001903.5(CTNNA1):c.2482G>A (p.Ala828Thr)

Gene: CTNNA1 (catenin alpha 1; plus strand). Cytogenetic location: 5q31.2.
Variant type: single nucleotide variant.
Coding change: c.2482G>A on transcript NM_001903.5 (MANE Select); coding-DNA position 2482, G replaced by A.
Protein change: p.Ala828Thr; replaces alanine 828 with threonine.
Molecular consequence: missense variant. On other transcripts: 3 prime UTR variant (5).
Genome position (GRCh38, 1-based): chr5:138,933,850, G>A. VCF-style: chr5-138933850-G-A. GRCh37 (hg19) VCF-style: chr5-138269539-G-A.
Other names: c.*27G>A (NM_001290307.3, NM_001324002.1, NM_001324003.1 and 2 more transcripts); c.2173G>A, p.Ala725Thr (NM_001290309.3); c.2113G>A, p.Ala705Thr (NM_001290310.3); c.1372G>A, p.Ala458Thr (NM_001290312.1, NM_001323987.1, NM_001323988.1 and 12 more transcripts); c.2482G>A, p.Ala828Thr (NM_001323982.2, NM_001323983.1, NM_001323984.2); c.2455G>A, p.Ala819Thr (NM_001323985.2); c.2389G>A, p.Ala797Thr (NM_001323986.2); c.1033G>A, p.Ala345Thr (NM_001324009.1, NM_001324010.1, NM_001324006.1 and 2 more transcripts); and 3 more; short protein forms A377T, A413T, A705T, A725T, A828T, A345T, A458T, A819T.
Identifiers: ClinVar variation 3666803 (VCV003666803.2).